The following is an entry in ClinVar:

NM_012431.3(SEMA3E):c.999-3C>T

Gene: SEMA3E (semaphorin 3E; minus strand). Cytogenetic location: 7q21.11.
Variant type: single nucleotide variant.
Coding change: c.999-3C>T on transcript NM_012431.3 (MANE Select); 3 bases into the intron before coding-DNA position 999, C replaced by T.
Molecular consequence: intron variant.
Genome position (GRCh38, 1-based): chr7:83,402,779, G>A on the plus strand (C>T on the coding strand, the complement: SEMA3E is on the minus strand). VCF-style: chr7-83402779-G-A. GRCh37 (hg19) VCF-style: chr7-83032095-G-A.
Other names: c.819-3C>T (NM_001178129.2).
Identifiers: ClinVar variation 954823 (VCV000954823.10), dbSNP rs566304903, ClinGen allele CA4322126.

ClinVar aggregate classification (germline): Uncertain significance (1 of 4 stars; one submission).

Conditions:
CHARGE syndrome (CHARGE). Also called: Hittner Hirsch Kreh syndrome; Coloboma, heart anomaly, choanal atresia, retardation, genital and ear anomalies; CHARGE association; Hall-Hittner syndrome; CHARGE ASSOCIATION--COLOBOMA, HEART ANOMALY, CHOANAL ATRESIA, RETARDATION, GENITAL AND EAR ANOMALIES. Identifiers: Orphanet 138, MedGen C0265354, MONDO:0008965.

Allele frequency attached by ClinVar (database versions not stated): gnomAD exomes below 0.00001 and 0.00001; ExAC 0.00001; gnomAD 0.00001; TOPMed 0.00001; 1000 Genomes Project 30x 0.00016; 1000 Genomes Project 0.00020.
gnomAD v4.1: 4 of 1,610,786 alleles (0.00025%); highest among the groups gnomAD compares: East Asian, 0.009%; no homozygotes.

Submission:

Labcorp Genetics (formerly Invitae), Labcorp
Classification: Uncertain significance for CHARGE syndrome. Last evaluated: 2025-11-30. Review status: criteria provided, single submitter. Criteria: Invitae Variant Classification Sherloc (09022015). Collection method: clinical testing. Allele origin: germline.
Comment: This sequence change falls in intron 9 of the SEMA3E gene. It does not directly change the encoded amino acid sequence of the SEMA3E protein. It affects a nucleotide within the consensus splice site. This variant is present in population databases (rs566304903, gnomAD 0.01%). This variant has not been reported in the literature in individuals affected with SEMA3E-related conditions. ClinVar contains an entry for this variant (Variation ID: 954823). Variants that disrupt the consensus splice site are a relatively common cause of aberrant splicing (PMID: 17576681, 9536098). Algorithms developed to predict the effect of sequence changes on RNA splicing suggest that this variant is not likely to affect RNA splicing. In summary, the available evidence is currently insufficient to determine the role of this variant in disease. Therefore, it has been classified as a Variant of Uncertain Significance.

Literature cited by the submitters: PubMed 17576681; PubMed 9536098.